The following is an entry in ClinVar:

ClinVar aggregate classification (germline): Benign (1 of 4 stars; one submission).

Conditions:
Pseudohypoaldosteronism type 2D (PHA2D). Also called: FAMILIAL HYPERKALEMIC HYPERTENSION; PSEUDOHYPOALDOSTERONISM, TYPE IID, AUTOSOMAL DOMINANT OR RECESSIVE; Pseudohypoaldosteronism Type IID. Identifiers: Orphanet 300525, Orphanet 757, MedGen C3469605, MONDO:0013781, OMIM 614495.

Allele frequency attached by ClinVar (database versions not stated): gnomAD 0.00001 and 0.00003; TOPMed 0.00005; 1000 Genomes Project 0.00040; 1000 Genomes Project 30x 0.00047.
gnomAD v4.1: 4 of 152,790 alleles (0.0026%); highest among the groups gnomAD compares: East Asian, 0.077%; no homozygotes.

Submission:

Illumina Laboratory Services, Illumina
Classification: Benign for Pseudohypoaldosteronism type 2D. Last evaluated: 2018-01-13. Review status: criteria provided, single submitter. Criteria: ICSL Variant Classification Criteria 13 December 2019. Collection method: clinical testing. Allele origin: germline.
Comment: This variant was observed in the ICSL laboratory as part of a predisposition screen in an ostensibly healthy population. It had not been previously curated by ICSL or reported in the Human Gene Mutation Database (HGMD: prior to June 1st, 2018), and was therefore a candidate for classification through an automated scoring system. Utilizing variant allele frequency, disease prevalence and penetrance estimates, and inheritance mode, an automated score was calculated to assess if this variant is too frequent to cause the disease. Based on the score and internal cut-off values, a variant classified as benign is not then subjected to further curation. The score for this variant resulted in a classification of benign for this disease.

NM_017415.3(KLHL3):c.*2805A>G

Gene: KLHL3 (kelch like family member 3; minus strand). Cytogenetic location: 5q31.2.
Variant type: single nucleotide variant.
Coding change: c.*2805A>G on transcript NM_017415.3 (MANE Select); 2805 bases downstream of the stop codon, A replaced by G.
Molecular consequence: 3 prime UTR variant.
Genome position (GRCh38, 1-based): chr5:137,619,293, T>C on the plus strand (A>G on the coding strand, the complement: KLHL3 is on the minus strand). VCF-style: chr5-137619293-T-C. GRCh37 (hg19) VCF-style: chr5-136954982-T-C.
Other names: c.*2805A>G (NM_001257194.1, NM_001257195.2).
Identifiers: ClinVar variation 350944 (VCV000350944.6), dbSNP rs141261117, ClinGen allele CA10620222.
Genomic context (GRCh38, chr5:137,619,293, plus strand): 5'-GCTTGTCGGGAACTAGAATTAAGTATTCTTATTGCATAGCAGAAAATGAGGTCAGTTTTA[T>C]TTGCATAATACTGCAACTTTGTAGATGGAGAGATGCCATTGGGTACTTATGAGAAATAAC-3'